The following is an entry in ClinVar:

ClinVar aggregate classification (germline): Likely benign (0 of 4 stars; one submission).

Conditions:
PLXNA2-related disorder. Also called: PLXNA2-related condition.

gnomAD v4.1: 4 of 1,613,912 alleles (0.00025%); highest among the groups gnomAD compares: Non-Finnish European, 0.00034%; no homozygotes.

Submission:

PreventionGenetics, part of Exact Sciences
Classification: Likely benign for PLXNA2-related condition. Last evaluated: 2023-10-20. Review status: no assertion criteria provided. Collection method: clinical testing. Allele origin: germline.
Comment: This variant is classified as likely benign based on ACMG/AMP sequence variant interpretation guidelines (Richards et al. 2015 PMID: 25741868, with internal and published modifications).

NM_025179.4(PLXNA2):c.1419C>T (p.Val473=)

Gene: PLXNA2 (plexin A2; minus strand). Cytogenetic location: 1q32.2.
Variant type: single nucleotide variant.
Coding change: c.1419C>T on transcript NM_025179.4 (MANE Select); coding-DNA position 1419, C replaced by T.
Protein change: p.Val473=; no amino-acid change (valine 473 retained).
Molecular consequence: synonymous variant.
Genome position (GRCh38, 1-based): chr1:208,142,416, G>A on the plus strand (C>T on the coding strand, the complement: PLXNA2 is on the minus strand). VCF-style: chr1-208142416-G-A. GRCh37 (hg19) VCF-style: chr1-208315761-G-A.
Identifiers: ClinVar variation 3356715 (VCV003356715.1).